The following is an entry in ClinVar:

ClinVar aggregate classification (germline): Uncertain significance. Review status: criteria provided, multiple submitters, no conflicts (2 of 4 stars). 2 submissions from 2 submitters: Uncertain significance (2). Last evaluated 2024-01-10.

Conditions:
Spermatogenic failure 18. Identifiers: MedGen C4539783, MONDO:0054615, OMIM 617576.
Ciliary dyskinesia, primary, 37 (CILD37). Also called: CILIARY DYSKINESIA, PRIMARY, 37, WITH OR WITHOUT SITUS INVERSUS. Identifiers: MedGen C4539798, MONDO:0033204, OMIM 617577.

Allele frequency attached by ClinVar (database versions not stated): ExAC 0.00002; gnomAD 0.00002; TOPMed 0.00003; 1000 Genomes Project 30x 0.00016; 1000 Genomes Project 0.00020.
gnomAD v4.1: 21 of 1,612,192 alleles (0.0013%); highest among the groups gnomAD compares: Admixed American, 0.005%; no homozygotes.

Submissions (2):

Labcorp Genetics (formerly Invitae), Labcorp
Classification: Uncertain significance for Ciliary dyskinesia, primary, 37; Spermatogenic failure 18. Last evaluated: 2024-01-10. Review status: criteria provided, single submitter. Criteria: Invitae Variant Classification Sherloc (09022015). Collection method: clinical testing. Allele origin: germline.
Comment: This sequence change replaces arginine, which is basic and polar, with glutamine, which is neutral and polar, at codon 2396 of the DNAH1 protein (p.Arg2396Gln). This variant is present in population databases (rs200988349, gnomAD 0.003%). This variant has not been reported in the literature in individuals affected with DNAH1-related conditions. ClinVar contains an entry for this variant (Variation ID: 849744). Advanced modeling of protein sequence and biophysical properties (such as structural, functional, and spatial information, amino acid conservation, physicochemical variation, residue mobility, and thermodynamic stability) performed at Invitae indicates that this missense variant is not expected to disrupt DNAH1 protein function with a negative predictive value of 80%. In summary, the available evidence is currently insufficient to determine the role of this variant in disease. Therefore, it has been classified as a Variant of Uncertain Significance.

Breakthrough Genomics
Classification: Uncertain significance. Review status: criteria provided, single submitter. Criteria: ACMG Guidelines, 2015. Collection method: not provided. Allele origin: germline. Inheritance: Autosomal recessive inheritance. Affected: yes.

NM_015512.5(DNAH1):c.7187G>A (p.Arg2396Gln)

Gene: DNAH1 (dynein axonemal heavy chain 1; plus strand). Cytogenetic location: 3p21.1.
Variant type: single nucleotide variant.
Coding change: c.7187G>A on transcript NM_015512.5 (MANE Select); coding-DNA position 7187, G replaced by A.
Protein change: p.Arg2396Gln; replaces arginine 2396 with glutamine.
Molecular consequence: missense variant.
Genome position (GRCh38, 1-based): chr3:52,375,982, G>A. VCF-style: chr3-52375982-G-A. GRCh37 (hg19) VCF-style: chr3-52409998-G-A.
Other names: short protein forms R2396Q.
Identifiers: ClinVar variation 849744 (VCV000849744.7), dbSNP rs200988349, ClinGen allele CA2434796.